The following is an entry in ClinVar:

ClinVar aggregate classification (germline): Uncertain significance (1 of 4 stars; one submission).

Conditions:
Developmental and epileptic encephalopathy 94 (DEE94). Also called: CHD2-Related Neurodevelopmental Disorders; Epileptic encephalopathy, childhood-onset. Identifiers: Orphanet 1942, Orphanet 2382, MedGen C3809278, MONDO:0014150, OMIM 615369.

Allele frequency attached by ClinVar (database versions not stated): TOPMed below 0.00001; gnomAD 0.00001.
gnomAD v4.1: 2 of 1,613,342 alleles (0.00012%); highest among the groups gnomAD compares: South Asian, 0.0011%; no homozygotes.

Submission:

Labcorp Genetics (formerly Invitae), Labcorp
Classification: Uncertain significance for Developmental and epileptic encephalopathy 94. Last evaluated: 2025-09-20. Review status: criteria provided, single submitter. Criteria: Invitae Variant Classification Sherloc (09022015). Collection method: clinical testing. Allele origin: germline.
Comment: This sequence change replaces proline, which is neutral and non-polar, with serine, which is neutral and polar, at codon 1366 of the CHD2 protein (p.Pro1366Ser). This variant is not present in population databases (gnomAD no frequency). This variant has not been reported in the literature in individuals affected with CHD2-related conditions. ClinVar contains an entry for this variant (Variation ID: 2130383). Invitae Evidence Modeling of protein sequence and biophysical properties (such as structural, functional, and spatial information, amino acid conservation, physicochemical variation, residue mobility, and thermodynamic stability) indicates that this missense variant is not expected to disrupt CHD2 protein function with a negative predictive value of 95%. In summary, the available evidence is currently insufficient to determine the role of this variant in disease. Therefore, it has been classified as a Variant of Uncertain Significance.

NM_001271.4(CHD2):c.4096C>T (p.Pro1366Ser)

Gene: CHD2 (chromodomain helicase DNA binding protein 2; plus strand). Cytogenetic location: 15q26.1.
Variant type: single nucleotide variant.
Coding change: c.4096C>T on transcript NM_001271.4 (MANE Select); coding-DNA position 4096, C replaced by T.
Protein change: p.Pro1366Ser; replaces proline 1366 with serine.
Molecular consequence: missense variant.
Genome position (GRCh38, 1-based): chr15:93,000,599, C>T. VCF-style: chr15-93000599-C-T. GRCh37 (hg19) VCF-style: chr15-93543829-C-T.
Other names: short protein forms P1366S.
Identifiers: ClinVar variation 2130383 (VCV002130383.4), dbSNP rs1195925017, ClinGen allele CA393900478.
Genomic context (GRCh38, chr15:93,000,599, plus strand): 5'-GTAAAGAAGGAAAACAAAGTGCCCAGGCTGAAAGAGGAGCATGGAATTGAGCTTTCATCT[C>T]CTAGGCATTCAGATAATCCATCAGAAGAGGGAGAAGTGAAAGTATGAAGTGGGGTTTCGG-3'
Protein context (NP_001262.3, residues 1356-1376): KEEHGIELSS[Pro1366Ser]RHSDNPSEEG